The following is an entry in ClinVar:

NM_001036.6(RYR3):c.7249A>G (p.Ile2417Val)

Gene: RYR3 (ryanodine receptor 3; plus strand). Cytogenetic location: 15q14.
Variant type: single nucleotide variant.
Coding change: c.7249A>G on transcript NM_001036.6 (MANE Select); coding-DNA position 7249, A replaced by G.
Protein change: p.Ile2417Val; replaces isoleucine 2417 with valine.
Molecular consequence: missense variant.
Genome position (GRCh38, 1-based): chr15:33,731,519, A>G. VCF-style: chr15-33731519-A-G. GRCh37 (hg19) VCF-style: chr15-34023720-A-G.
Other names: c.7249A>G, p.Ile2417Val (NM_001243996.4); short protein forms I2417V.
Identifiers: ClinVar variation 580560 (VCV000580560.34), dbSNP rs200294137, ClinGen allele CA7459833.

ClinVar aggregate classification (germline): Conflicting classifications of pathogenicity. Review status: criteria provided, conflicting classifications (1 of 4 stars). 2 submissions from 2 submitters: Uncertain significance (1); Likely benign (1). Last evaluated 2026-02-01.

Conditions:
Epileptic encephalopathy. Identifiers: MedGen C0543888, HP:0200134.

Allele frequency attached by ClinVar (database versions not stated): TOPMed 0.00034; gnomAD exomes 0.00043 and 0.00045; ESP Exome Variant Server 0.00049; gnomAD 0.00052 and 0.00055; ExAC 0.00058.
gnomAD v4.1: 725 of 1,613,640 alleles (0.045%); highest among the groups gnomAD compares: Non-Finnish European, 0.053%; 1 homozygote.

Submissions (3):

CeGaT Center for Human Genetics Tuebingen
Classification: Uncertain significance. Last evaluated: 2026-02-01. Review status: criteria provided, single submitter. Criteria: CeGaT Center For Human Genetics Tuebingen Variant Classification Criteria Version 2. Collection method: clinical testing. Allele origin: germline. Affected: yes. Observed: 3 variant alleles.
Comment: RYR3: PP3

Labcorp Genetics (formerly Invitae), Labcorp
Classification: Likely benign for Epileptic encephalopathy. Last evaluated: 2025-09-06. Review status: criteria provided, single submitter. Criteria: Invitae Variant Classification Sherloc (09022015). Collection method: clinical testing. Allele origin: germline.

Dr. Peter K. Rogan Lab, Western University
No classification provided (evidence only). Condition: Familial cancer of breast. Review status: no classification provided. Collection method: in vitro. Allele origin: not applicable. Functional consequence: retained intron. Not counted in ClinVar's aggregate classification.